The following is an entry in ClinVar:

NM_004958.4(MTOR):c.2579A>G (p.Lys860Arg)

Gene: MTOR (mechanistic target of rapamycin kinase; minus strand). Cytogenetic location: 1p36.22.
Variant type: single nucleotide variant.
Coding change: c.2579A>G on transcript NM_004958.4 (MANE Select); coding-DNA position 2579, A replaced by G.
Protein change: p.Lys860Arg; replaces lysine 860 with arginine.
Molecular consequence: missense variant.
Genome position (GRCh38, 1-based): chr1:11,231,370, T>C on the plus strand (A>G on the coding strand, the complement: MTOR is on the minus strand). VCF-style: chr1-11231370-T-C. GRCh37 (hg19) VCF-style: chr1-11291427-T-C.
Other names: c.2579A>G, p.Lys860Arg (NM_001386500.1); c.1331A>G, p.Lys444Arg (NM_001386501.1); short protein forms K860R, K444R.
Identifiers: ClinVar variation 1040766 (VCV001040766.8), dbSNP rs1441440583, ClinGen allele CA338382619.

ClinVar aggregate classification (germline): Uncertain significance (1 of 4 stars; one submission).

gnomAD v4.1: 2 of 1,614,220 alleles (0.00012%); highest among the groups gnomAD compares: South Asian, 0.0022%; no homozygotes.

Submission:

Labcorp Genetics (formerly Invitae), Labcorp
Classification: Uncertain significance. Last evaluated: 2020-08-27. Review status: criteria provided, single submitter. Criteria: Invitae Variant Classification Sherloc (09022015). Collection method: clinical testing. Allele origin: germline.
Comment: In summary, the available evidence is currently insufficient to determine the role of this variant in disease. Therefore, it has been classified as a Variant of Uncertain Significance. Algorithms developed to predict the effect of sequence changes on RNA splicing suggest that this variant may create or strengthen a splice site, but this prediction has not been confirmed by published transcriptional studies. Advanced modeling of protein sequence and biophysical properties (such as structural, functional, and spatial information, amino acid conservation, physicochemical variation, residue mobility, and thermodynamic stability) performed at Invitae indicates that this missense variant is not expected to disrupt MTOR protein function. This variant has not been reported in the literature in individuals with MTOR-related conditions. This variant is not present in population databases (ExAC no frequency). This sequence change replaces lysine with arginine at codon 860 of the MTOR protein (p.Lys860Arg). The lysine residue is highly conserved and there is a small physicochemical difference between lysine and arginine.